The following is an entry in ClinVar:

NM_005228.5(EGFR):c.683C>G (p.Pro228Arg)

Gene: EGFR (epidermal growth factor receptor; plus strand). Cytogenetic location: 7p11.2.
Variant type: single nucleotide variant.
Coding change: c.683C>G on transcript NM_005228.5 (MANE Select); coding-DNA position 683, C replaced by G.
Protein change: p.Pro228Arg; replaces proline 228 with arginine.
Molecular consequence: missense variant. On other transcripts: intron variant (1).
Genome position (GRCh38, 1-based): chr7:55,152,600, C>G. VCF-style: chr7-55152600-C-G. GRCh37 (hg19) VCF-style: chr7-55220293-C-G.
Other names: c.548C>G, p.Pro183Arg (NM_001346897.2, NM_001346899.2); c.683C>G, p.Pro228Arg (NM_001346898.2, NM_201282.2, NM_201283.2 and 1 more transcripts); c.524C>G, p.Pro175Arg (NM_001346900.2); c.89-3230C>G (NM_001346941.2); short protein forms P175R, P183R, P228R.
Identifiers: ClinVar variation 3005334 (VCV003005334.4), dbSNP rs752616839, ClinGen allele CA367577430.

ClinVar aggregate classification (germline): Uncertain significance. Review status: criteria provided, multiple submitters, no conflicts (2 of 4 stars). 2 submissions from 2 submitters: Uncertain significance (2). Last evaluated 2026-04-13.

Conditions:
EGFR-related lung cancer (EGFR). Identifiers: MedGen CN130014.
Hereditary cancer-predisposing syndrome. Also called: Hereditary neoplastic syndrome; Neoplastic Syndromes, Hereditary; Tumor predisposition; Hereditary Cancer Syndrome. Identifiers: Orphanet 140162, MedGen C0027672, MeSH D009386, MONDO:0015356.

Submissions (2):

Ambry Genetics
Classification: Uncertain significance for Hereditary cancer-predisposing syndrome. Last evaluated: 2026-04-13. Review status: criteria provided, single submitter. Criteria: Ambry Variant Classification Scheme 2023. Collection method: clinical testing. Allele origin: germline.
Comment: The p.P228R variant (also known as c.683C>G), located in coding exon 6 of the EGFR gene, results from a C to G substitution at nucleotide position 683. The proline at codon 228 is replaced by arginine, an amino acid with dissimilar properties. This amino acid position is highly conserved in available vertebrate species. In addition, this alteration is predicted to be deleterious by in silico analysis. Based on the available evidence, the clinical significance of this variant remains unclear.

Labcorp Genetics (formerly Invitae), Labcorp
Classification: Uncertain significance for EGFR-related lung cancer. Last evaluated: 2024-10-19. Review status: criteria provided, single submitter. Criteria: Invitae Variant Classification Sherloc (09022015). Collection method: clinical testing. Allele origin: germline.
Comment: This sequence change replaces proline, which is neutral and non-polar, with arginine, which is basic and polar, at codon 228 of the EGFR protein (p.Pro228Arg). This variant is not present in population databases (gnomAD no frequency). This variant has not been reported in the literature in individuals affected with EGFR-related conditions. Invitae Evidence Modeling of protein sequence and biophysical properties (such as structural, functional, and spatial information, amino acid conservation, physicochemical variation, residue mobility, and thermodynamic stability) has been performed for this missense variant. However, the output from this modeling did not meet the statistical confidence thresholds required to predict the impact of this variant on EGFR protein function. In summary, the available evidence is currently insufficient to determine the role of this variant in disease. Therefore, it has been classified as a Variant of Uncertain Significance.